The following is an entry in ClinVar:

NC_000023.10:g.(?_31366653)_(31366771_?)del

Gene: DMD (dystrophin; minus strand). Cytogenetic location: Xp21.2.
Variant type: Deletion.
Identifiers: ClinVar variation 3243053 (VCV003243053.1).

ClinVar aggregate classification (germline): Pathogenic (1 of 4 stars; one submission).

Conditions:
Duchenne muscular dystrophy (DMD). Also called: MUSCULAR DYSTROPHY, PSEUDOHYPERTROPHIC PROGRESSIVE, DUCHENNE TYPE; Duchenne Muscular Dystrophy (DMD). Identifiers: Orphanet 98896, MedGen C0013264, MONDO:0010679, OMIM 310200.

Submission:

Labcorp Genetics (formerly Invitae), Labcorp
Classification: Pathogenic for Duchenne muscular dystrophy. Last evaluated: 2022-03-24. Review status: criteria provided, single submitter. Criteria: Invitae Variant Classification Sherloc (09022015). Collection method: clinical testing. Allele origin: unknown.
Comment: For these reasons, this variant has been classified as Pathogenic. A similar copy number variant has been observed in individuals with DMD-related conditions (PMID: 16950195, 17253928). This variant is a gross deletion of the genomic region encompassing exon(s) 61 of the DMD gene. This deletion is out-of-frame, and is expected to create a premature termination codon and result in an absent or disrupted protein product. Loss-of-function variants in DMD are known to be pathogenic (PMID: 16770791, 25007885).

Literature cited by the submitters: PubMed 16950195; PubMed 17253928; PubMed 16770791; PubMed 25007885.